The following is an entry in ClinVar:

NM_006364.4(SEC23A):c.1227+2T>G

Gene: SEC23A (SEC23 homolog A, COPII coat complex component; minus strand). Cytogenetic location: 14q21.1.
Variant type: single nucleotide variant.
Coding change: c.1227+2T>G on transcript NM_006364.4 (MANE Select); the canonical splice donor site of the intron after coding-DNA position 1227, T replaced by G.
Molecular consequence: splice donor variant.
Genome position (GRCh38, 1-based): chr14:39,067,171, A>C on the plus strand (T>G on the coding strand, the complement: SEC23A is on the minus strand). VCF-style: chr14-39067171-A-C. GRCh37 (hg19) VCF-style: chr14-39536375-A-C.
Identifiers: ClinVar variation 931175 (VCV000931175.3), dbSNP rs755443033, ClinGen allele CA7161918.
Genomic context (GRCh38, chr14:39,067,171, plus strand): 5'-ACACTCAAGCCTATAAGTTGTCTTTTGATAACATATCGCACATGTCAAGTTTTGGTTCTT[A>C]CCTTTATTTCTAGCGTACCACCAAAGCCCATTTTAAACTGTCCATGCATGTCTTTGGTAA-3'

ClinVar aggregate classification (germline): Likely pathogenic (1 of 4 stars; one submission).

Conditions:
Craniolenticulosutural dysplasia (CLSD). Also called: BOYADJIEV-JABS SYNDROME. Identifiers: Orphanet 50814, MedGen C1843042, MONDO:0011911, OMIM 607812.

Allele frequency attached by ClinVar (database versions not stated): TOPMed below 0.00001; gnomAD 0.00001; gnomAD exomes 0.00001 and 0.00002; ExAC 0.00002.

Submission:

Centre for Mendelian Genomics, University Medical Centre Ljubljana
Classification: Likely pathogenic for Craniolenticulosutural dysplasia. Last evaluated: 2020-01-09. Review status: criteria provided, single submitter. Criteria: ACMG Guidelines, 2015. Collection method: clinical testing. Allele origin: unknown. Affected: yes.
Comment: This variant was classified as: Likely pathogenic. The following ACMG criteria were applied in classifying this variant: PVS1,PM2.